The following is an entry in ClinVar:

ClinVar aggregate classification (germline): Pathogenic (1 of 4 stars; one submission).

Conditions:
Renal cysts and diabetes syndrome (RCAD). Also called: Familial hypoplastic, glomerulocystic kidney; MATURITY-ONSET DIABETES OF THE YOUNG, TYPE 5. Identifiers: Orphanet 93111, MedGen C0431693, MONDO:0007669, OMIM 137920.

Submission:

Institute of Human Genetics, FAU Erlangen, Friedrich-Alexander-Universität Erlangen-Nürnberg
Classification: Pathogenic for Renal cysts and diabetes syndrome. Last evaluated: 2019-07-06. Review status: criteria provided, single submitter. Criteria: ACMG Guidelines, 2015. Collection method: literature only. Allele origin: germline. Affected: yes.
Comment: This variant and it's classification has been reported by Vasileiou et al. 2019; DOI:10.1101/576918. The variants has previously been reported in PMID:28420700 as "c.953dup,p.Tyr318*" with clinical significance Pathogenic. It has been re-classified using InterVar and manual curation as Pathogenic based on PVS1 PM2 PP3.

Literature cited by the submitters: PubMed 28420700; DOI 10.1101/576918.

NM_000458.4(HNF1B):c.953dup (p.Tyr318Ter)

Gene: HNF1B (HNF1 homeobox B; minus strand). Cytogenetic location: 17q12.
Variant type: Duplication.
Coding change: c.953dup on transcript NM_000458.4 (MANE Select); coding-DNA position 953, one base duplicated (A; older notation c.953dupA).
Protein change: p.Tyr318Ter; replaces tyrosine 318 with a stop codon.
Molecular consequence: nonsense.
Genome position (GRCh38, 1-based): chr17:37,731,687, T duplicated on the plus strand (A on the coding strand, the reverse complement: HNF1B is on the minus strand). VCF-style (leftmost placement, unchanged base first): chr17-37731686-A-AT. GRCh37 (hg19) VCF-style: chr17-36091677-A-AT.
Other names: c.875dup, p.Tyr292Ter (NM_001165923.4, NM_001304286.2); short protein forms Y318*, Y292*.
Identifiers: ClinVar variation 635622 (VCV000635622.1), dbSNP rs2511801162, ClinGen allele CA913190772.